The following is an entry in ClinVar:

ClinVar aggregate classification (germline): Uncertain significance (1 of 4 stars; one submission).

Conditions:
Retinitis pigmentosa 71 (RP71). Identifiers: Orphanet 791, MedGen C4225342, MONDO:0014618, OMIM 616394.
Short-rib thoracic dysplasia 10 with or without polydactyly (SRTD10). Identifiers: Orphanet 474, MedGen C3810175, MONDO:0014284, OMIM 615630.

Submission:

Labcorp Genetics (formerly Invitae), Labcorp
Classification: Uncertain significance for Retinitis pigmentosa 71; Short-rib thoracic dysplasia 10 with or without polydactyly. Last evaluated: 2023-11-13. Review status: criteria provided, single submitter. Criteria: Invitae Variant Classification Sherloc (09022015). Collection method: clinical testing. Allele origin: germline.
Comment: This sequence change replaces glutamic acid, which is acidic and polar, with aspartic acid, which is acidic and polar, at codon 830 of the IFT172 protein (p.Glu830Asp). This variant is not present in population databases (gnomAD no frequency). This variant has not been reported in the literature in individuals affected with IFT172-related conditions. ClinVar contains an entry for this variant (Variation ID: 1510387). Advanced modeling of protein sequence and biophysical properties (such as structural, functional, and spatial information, amino acid conservation, physicochemical variation, residue mobility, and thermodynamic stability) performed at Invitae indicates that this missense variant is not expected to disrupt IFT172 protein function with a negative predictive value of 80%. In summary, the available evidence is currently insufficient to determine the role of this variant in disease. Therefore, it has been classified as a Variant of Uncertain Significance.

NM_015662.3(IFT172):c.2490G>C (p.Glu830Asp)

Gene: IFT172 (intraflagellar transport 172; minus strand). Cytogenetic location: 2p23.3.
Variant type: single nucleotide variant.
Coding change: c.2490G>C on transcript NM_015662.3 (MANE Select); coding-DNA position 2490, G replaced by C.
Protein change: p.Glu830Asp; replaces glutamic acid 830 with aspartic acid.
Molecular consequence: missense variant.
Genome position (GRCh38, 1-based): chr2:27,461,046, C>G on the plus strand (G>C on the coding strand, the complement: IFT172 is on the minus strand). VCF-style: chr2-27461046-C-G. GRCh37 (hg19) VCF-style: chr2-27683913-C-G.
Other names: short protein forms E830D.
Identifiers: ClinVar variation 1510387 (VCV001510387.8), dbSNP rs2148505488, ClinGen allele CA346383585.